The following is an entry in ClinVar:

ClinVar aggregate classification (germline): Uncertain significance (1 of 4 stars; one submission).

Allele frequency attached by ClinVar (database versions not stated): ExAC 0.00002; gnomAD exomes 0.00002 and 0.00003; gnomAD 0.00003; TOPMed 0.00003; ESP Exome Variant Server 0.00008.
gnomAD v4.1: 41 of 1,611,252 alleles (0.0025%); highest among the groups gnomAD compares: Non-Finnish European, 0.0033%; no homozygotes.

Submission:

Labcorp Genetics (formerly Invitae), Labcorp
Classification: Uncertain significance. Last evaluated: 2024-11-05. Review status: criteria provided, single submitter. Criteria: Invitae Variant Classification Sherloc (09022015). Collection method: clinical testing. Allele origin: germline.
Comment: This sequence change replaces serine, which is neutral and polar, with asparagine, which is neutral and polar, at codon 512 of the COL18A1 protein (p.Ser512Asn). This variant is present in population databases (rs367836626, gnomAD 0.004%). This variant has not been reported in the literature in individuals affected with COL18A1-related conditions. ClinVar contains an entry for this variant (Variation ID: 1394220). Experimental studies and prediction algorithms are not available or were not evaluated, and the functional significance of this variant is currently unknown. In summary, the available evidence is currently insufficient to determine the role of this variant in disease. Therefore, it has been classified as a Variant of Uncertain Significance.

NM_001379500.1(COL18A1):c.1535G>A (p.Ser512Asn)

Gene: COL18A1 (collagen type XVIII alpha 1 chain; plus strand). Cytogenetic location: 21q22.3.
Variant type: single nucleotide variant.
Coding change: c.1535G>A on transcript NM_001379500.1 (MANE Select); coding-DNA position 1535, G replaced by A.
Protein change: p.Ser512Asn; replaces serine 512 with asparagine.
Molecular consequence: missense variant.
Genome position (GRCh38, 1-based): chr21:45,480,782, G>A. VCF-style: chr21-45480782-G-A. GRCh37 (hg19) VCF-style: chr21-46900696-G-A.
Other names: c.2075G>A, p.Ser692Asn (NM_030582.4); c.2780G>A, p.Ser927Asn (NM_130444.3); short protein forms S927N, S512N, S692N.
Identifiers: ClinVar variation 1394220 (VCV001394220.5), dbSNP rs367836626, ClinGen allele CA10066379.
Genomic context (GRCh38, chr21:45,480,782, plus strand): 5'-CTCCCGGACCCCCCGGTGTCCCAGGCCTGCCCGGCGAGCCAGGCCGCTTTGGGGTGAACA[G>A]CTCCGACGTCCCAGGACCCGCCGGCCTTCCTGGTGTGCCTGGGCGCGAGGGTCCCCCCGG-3'
Protein context (NP_001366429.1, residues 502-522): PGEPGRFGVN[Ser512Asn]SDVPGPAGLP